The following is an entry in ClinVar:

NM_001127222.2(CACNA1A):c.3823-3C>T

Gene: CACNA1A (calcium voltage-gated channel subunit alpha1 A; minus strand). Cytogenetic location: 19p13.13.
Variant type: single nucleotide variant.
Coding change: c.3823-3C>T on transcript NM_001127222.2 (MANE Select); 3 bases into the intron before coding-DNA position 3823, C replaced by T.
Molecular consequence: intron variant.
Genome position (GRCh38, 1-based): chr19:13,277,131, G>A on the plus strand (C>T on the coding strand, the complement: CACNA1A is on the minus strand). VCF-style: chr19-13277131-G-A. GRCh37 (hg19) VCF-style: chr19-13387945-G-A.
Other names: c.3826-3C>T (NM_001127221.2, NM_001174080.2); c.3835-3C>T (NM_000068.4, NM_023035.3).
Identifiers: ClinVar variation 384342 (VCV000384342.3), dbSNP rs1057521929, ClinGen allele CA16607719.

ClinVar aggregate classification (germline): Conflicting classifications of pathogenicity. Review status: criteria provided, conflicting classifications (1 of 4 stars). 2 submissions from 2 submitters: Uncertain significance (1); Likely benign (1). Last evaluated 2022-11-15.

Conditions:
Inborn genetic diseases. Identifiers: MedGen C0950123, MeSH D030342.

Allele frequency attached by ClinVar (database versions not stated): gnomAD exomes below 0.00001; TOPMed 0.00001.
gnomAD v4.1: 2 of 1,609,718 alleles (0.00012%); highest among the groups gnomAD compares: Non-Finnish European, 0.000085%; no homozygotes.

Submissions (2):

Ambry Genetics
Classification: Uncertain significance for Inborn genetic diseases. Last evaluated: 2022-11-15. Review status: criteria provided, single submitter. Criteria: Ambry Variant Classification Scheme 2023. Collection method: clinical testing. Allele origin: germline.
Comment: The c.3826-3C>T intronic alteration consists of a C to T substitution 3 nucleotides before coding exon 23 in the CACNA1A gene. Based on insufficient or conflicting evidence, the clinical significance of this alteration remains unclear.

GeneDx
Classification: Likely benign. Last evaluated: 2016-02-29. Review status: criteria provided, single submitter. Criteria: GeneDx Variant Classification (06012015). Collection method: clinical testing. Allele origin: germline. Affected: yes.
Comment: This variant is considered likely benign or benign based on one or more of the following criteria: it is a conservative change, it occurs at a poorly conserved position in the protein, it is predicted to be benign by multiple in silico algorithms, and/or has population frequency not consistent with disease.